The following is an entry in ClinVar:

ClinVar aggregate classification (germline): Uncertain significance (1 of 4 stars; one submission).

Conditions:
Combined oxidative phosphorylation defect type 17. Also called: Combined oxidative phosphorylation deficiency 17. Identifiers: Orphanet 369913, MedGen C3809526, MONDO:0014190, OMIM 615440.

Submission:

Labcorp Genetics (formerly Invitae), Labcorp
Classification: Uncertain significance for Combined oxidative phosphorylation defect type 17. Last evaluated: 2021-10-23. Review status: criteria provided, single submitter. Criteria: Invitae Variant Classification Sherloc (09022015). Collection method: clinical testing. Allele origin: germline.
Comment: This variant has not been reported in the literature in individuals affected with ELAC2-related conditions. The frequency data for this variant in the population databases is not available, as this variant may be reported as separate entries in the ExAC database. This sequence change replaces cysteine with leucine at codon 374 of the ELAC2 protein (p.Cys374Leu). The cysteine residue is moderately conserved and there is a large physicochemical difference between cysteine and leucine. Algorithms developed to predict the effect of missense changes on protein structure and function are either unavailable or do not agree on the potential impact of this missense change (SIFT: "Not Available"; PolyPhen-2: "Benign"; Align-GVGD: "Not Available"). In summary, the available evidence is currently insufficient to determine the role of this variant in disease. Therefore, it has been classified as a Variant of Uncertain Significance.

NM_018127.7(ELAC2):c.1120_1121delinsCT (p.Cys374Leu)

Gene: ELAC2 (elaC ribonuclease Z 2; minus strand). Cytogenetic location: 17p12.
Variant type: Indel.
Coding change: c.1120_1121delinsCT on transcript NM_018127.7 (MANE Select); coding-DNA positions 1120 to 1121, TG replaced by CT.
Protein change: p.Cys374Leu; replaces cysteine 374 with leucine.
Molecular consequence: missense variant.
Genome position (GRCh38, 1-based): chr17:13,002,538-13,002,539, CA replaced by AG on the plus strand (TG replaced by CT on the coding strand, the reverse complement: ELAC2 is on the minus strand). VCF-style: chr17-13002538-CA-AG. GRCh37 (hg19) VCF-style: chr17-12905855-CA-AG.
Other names: c.1000_1001delinsCT, p.Cys334Leu (NM_001165962.2); c.1120_1121delinsCT, p.Cys374Leu (NM_173717.2); short protein forms C334L, C374L.
Identifiers: ClinVar variation 1478617 (VCV001478617.4), dbSNP rs2143606682, ClinGen allele CA2573153059.